The following is an entry in ClinVar:

Single allele

Genes: CDR2 (cerebellar degeneration related protein 2), CDR2-DT (CDR2 divergent transcript), EEF2K (eukaryotic elongation factor 2 kinase), MOSMO (modulator of smoothened), PDZD9 (PDZ domain containing 9) and 31 more. Cytogenetic location: 16p12.2.
Variant type: Deletion.
Identifiers: ClinVar variation 560056 (VCV000560056.3).

ClinVar aggregate classification (germline): Uncertain significance (1 of 4 stars; one submission).

Submission:

Geisinger Autism and Developmental Medicine Institute, Geisinger Health System
Classification: Uncertain significance. Last evaluated: 2018-03-29. Review status: criteria provided, single submitter. Criteria: ACMG CNV Guidelines, 2011. Collection method: provider interpretation. Allele origin: unknown.

Literature cited by the submitters: PubMed 25719193.